The following is an entry in ClinVar:

ClinVar aggregate classification (germline): Likely pathogenic (1 of 4 stars; one submission).

Conditions:
Breast-ovarian cancer, familial, susceptibility to, 4. Identifiers: Orphanet 145, MedGen C3280345, MONDO:0013669, OMIM 614291.

Submission:

Myriad Genetics, Inc.
Classification: Likely pathogenic for Breast-ovarian cancer, familial, susceptibility to, 4. Last evaluated: 2026-05-13. Review status: criteria provided, single submitter. Criteria: Myriad Autosomal Dominant, Autosomal Recessive and X-Linked Classification Criteria (2023). Collection method: clinical testing. Allele origin: unknown.
Comment: This variant is considered likely pathogenic. This variant occurs within a consensus splice junction and is predicted to result in abnormal mRNA splicing of either an out-of-frame exon or an in-frame exon necessary for protein stability and/or normal function.

NM_002878.4(RAD51D):c.668-2A>G

Genes: RAD51D (RAD51 paralog D; minus strand), RAD51L3-RFFL (RAD51L3-RFFL readthrough; minus strand). Cytogenetic location: 17q12.
Variant type: single nucleotide variant.
Coding change: c.668-2A>G on transcript NM_002878.4 (MANE Select); the canonical splice acceptor site of the intron before coding-DNA position 668, A replaced by G.
Molecular consequence: splice acceptor variant.
Genome position (GRCh38, 1-based): chr17:35,103,326, T>C on the plus strand (A>G on the coding strand, the complement: RAD51D is on the minus strand). VCF-style: chr17-35103326-T-C. GRCh37 (hg19) VCF-style: chr17-33430345-T-C.
Other names: c.332-2A>G (NM_133629.3); c.728-2A>G (NM_001142571.2).
Identifiers: ClinVar variation 4876117 (VCV004876117.1).